The following is an entry in ClinVar:

NM_001080779.2(MYO1C):c.2596G>A (p.Glu866Lys)

Gene: MYO1C (myosin IC; minus strand). Cytogenetic location: 17p13.3.
Variant type: single nucleotide variant.
Coding change: c.2596G>A on transcript NM_001080779.2 (MANE Select); coding-DNA position 2596, G replaced by A.
Protein change: p.Glu866Lys; replaces glutamic acid 866 with lysine.
Molecular consequence: missense variant.
Genome position (GRCh38, 1-based): chr17:1,469,545, C>T on the plus strand (G>A on the coding strand, the complement: MYO1C is on the minus strand). VCF-style: chr17-1469545-C-T. GRCh37 (hg19) VCF-style: chr17-1372839-C-T.
Other names: c.2539G>A, p.Glu847Lys (NM_001080950.2); c.2524G>A, p.Glu842Lys (NM_001363855.1); c.2491G>A, p.Glu831Lys (NM_033375.5); short protein forms E831K, E842K, E847K, E866K.
Identifiers: ClinVar variation 1232199 (VCV001232199.4), dbSNP rs61753655, ClinGen allele CA8266933.

ClinVar aggregate classification (germline): Benign. Review status: criteria provided, multiple submitters, no conflicts (2 of 4 stars). 2 submissions from 2 submitters: Benign (2). Last evaluated 2018-07-02.

Allele frequency attached by ClinVar (database versions not stated): 1000 Genomes Project 30x 0.00406; ESP Exome Variant Server 0.00569; 1000 Genomes Project 0.00399; TOPMed 0.00591; gnomAD exomes 0.00684 and 0.00941; gnomAD 0.00700 and 0.00705; ExAC 0.00800.
gnomAD v4.1: 14,642 of 1,612,406 alleles (0.91%); highest among the groups gnomAD compares: Non-Finnish European, 1.1%; 99 homozygotes.

Submissions (2):

GeneDx
Classification: Benign. Last evaluated: 2018-07-02. Review status: criteria provided, single submitter. Criteria: GeneDx Variant Classification Process June 2021. Collection method: clinical testing. Allele origin: germline. Affected: yes.
Comment: This variant is associated with the following publications: (PMID: 19027848)

Breakthrough Genomics
Classification: Benign. Review status: criteria provided, single submitter. Criteria: ACMG Guidelines, 2015. Collection method: not provided. Allele origin: germline. Inheritance: Unknown mechanism. Affected: yes.